The following is an entry in ClinVar:

NM_000093.5(COL5A1):c.860G>A (p.Gly287Glu)

Gene: COL5A1 (collagen type V alpha 1 chain; plus strand). Cytogenetic location: 9q34.3.
Variant type: single nucleotide variant.
Coding change: c.860G>A on transcript NM_000093.5 (MANE Select); coding-DNA position 860, G replaced by A.
Protein change: p.Gly287Glu; replaces glycine 287 with glutamic acid.
Molecular consequence: missense variant.
Genome position (GRCh38, 1-based): chr9:134,728,743, G>A. VCF-style: chr9-134728743-G-A. GRCh37 (hg19) VCF-style: chr9-137620589-G-A.
Other names: c.860G>A (NM_000093.3); c.860G>A, p.Gly287Glu (NM_001278074.1); short protein forms G287E.
Identifiers: ClinVar variation 656489 (VCV000656489.11), dbSNP rs1588477287, ClinGen allele CA375447329.

ClinVar aggregate classification (germline): Uncertain significance. Review status: criteria provided, multiple submitters, no conflicts (2 of 4 stars). 2 submissions from 2 submitters: Uncertain significance (2). Last evaluated 2024-08-08.

Conditions:
Ehlers-Danlos syndrome, classic type, 1 (EDSCL1). Also called: EDS I; EHLERS-DANLOS SYNDROME, GRAVIS TYPE; EHLERS-DANLOS SYNDROME, SEVERE CLASSIC TYPE; Ehlers-Danlos Syndrome, Classic Type, COL5A1-Related; Ehlers-Danlos syndrome, type 1. Identifiers: MedGen C0268335, MONDO:0019567, OMIM 130000.

Submissions (2):

GeneDx
Classification: Uncertain significance. Last evaluated: 2024-08-08. Review status: criteria provided, single submitter. Criteria: GeneDx Variant Classification Process June 2021. Collection method: clinical testing. Allele origin: germline. Affected: yes.
Comment: Not observed at significant frequency in large population cohorts (gnomAD); In silico analysis indicates that this missense variant does not alter protein structure/function; Has not been previously published as pathogenic or benign to our knowledge; Not located in the triple helical region, where the majority of pathogenic missense variants occur (PMID: 22696272; HGMD); This variant is associated with the following publications: (PMID: 22696272)

Labcorp Genetics (formerly Invitae), Labcorp
Classification: Uncertain significance for Ehlers-Danlos syndrome, classic type, 1. Last evaluated: 2018-08-15. Review status: criteria provided, single submitter. Criteria: Invitae Variant Classification Sherloc (09022015). Collection method: clinical testing. Allele origin: germline.
Comment: In summary, the available evidence is currently insufficient to determine the role of this variant in disease. Therefore, it has been classified as a Variant of Uncertain Significance. Algorithms developed to predict the effect of missense changes on protein structure and function are either unavailable or do not agree on the potential impact of this missense change (SIFT: "Deleterious"; PolyPhen-2: "Benign"; Align-GVGD: "Class C0"). This variant has not been reported in the literature in individuals with COL5A1-related disease. This variant is not present in population databases (ExAC no frequency). This sequence change replaces glycine with glutamic acid at codon 287 of the COL5A1 protein (p.Gly287Glu). The glycine residue is moderately conserved and there is a moderate physicochemical difference between glycine and glutamic acid.